The following is an entry in ClinVar:

NM_024675.4(PALB2):c.118del (p.Arg40fs)

Gene: PALB2 (partner and localizer of BRCA2; minus strand). Cytogenetic location: 16p12.2.
Variant type: Deletion.
Coding change: c.118del on transcript NM_024675.4 (MANE Select); coding-DNA position 118, one base deleted (A; older notation c.118delA).
Protein change: p.Arg40fs; shifts the reading frame from arginine 40.
Molecular consequence: frameshift variant.
Genome position (GRCh38, 1-based): chr16:23,637,943, T deleted on the plus strand (A on the coding strand, the reverse complement: PALB2 is on the minus strand); the first of 3 consecutive T bases (chr16:23,637,943-23,637,945); deleting any one gives the same sequence. VCF-style (leftmost placement, unchanged base first): chr16-23637942-CT-C. GRCh37 (hg19) VCF-style: chr16-23649263-CT-C.
Other names: short protein forms R40fs.
Identifiers: ClinVar variation 818545 (VCV000818545.5), dbSNP rs1597101532, ClinGen allele CA915949140.

ClinVar aggregate classification (germline): Pathogenic. Review status: criteria provided, multiple submitters, no conflicts (2 of 4 stars). 2 submissions from 2 submitters: Pathogenic (2). Last evaluated 2023-10-12.

Conditions:
Familial cancer of breast. Also called: hereditary breast carcinoma; Hereditary breast cancer; BREAST CANCER, FAMILIAL. Identifiers: Orphanet 227535, MedGen C0346153, MONDO:0016419, OMIM 114480. Disease mechanism: loss of function.
Hereditary cancer-predisposing syndrome. Also called: Tumor predisposition; Hereditary neoplastic syndrome; Neoplastic Syndromes, Hereditary; Hereditary Cancer Syndrome. Identifiers: Orphanet 140162, MedGen C0027672, MeSH D009386, MONDO:0015356.

Submissions (2):

Ambry Genetics
Classification: Pathogenic for Hereditary cancer-predisposing syndrome. Last evaluated: 2023-10-12. Review status: criteria provided, single submitter. Criteria: Ambry Variant Classification Scheme 2023. Collection method: clinical testing. Allele origin: germline.
Comment: The c.118delA pathogenic mutation, located in coding exon 3 of the PALB2 gene, results from a deletion of one nucleotide at nucleotide position 118, causing a translational frameshift with a predicted alternate stop codon (p.R40Efs*13). This alteration is expected to result in loss of function by premature protein truncation or nonsense-mediated mRNA decay. As such, this alteration is interpreted as a disease-causing mutation.

Myriad Genetics, Inc.
Classification: Pathogenic for Familial cancer of breast. Last evaluated: 2023-09-06. Review status: criteria provided, single submitter. Criteria: Myriad Autosomal Dominant, Autosomal Recessive and X-Linked Classification Criteria (2023). Collection method: clinical testing. Allele origin: unknown.
Comment: This variant is considered pathogenic. This variant creates a frameshift predicted to result in premature protein truncation.